The following is an entry in ClinVar:

NM_000143.4(FH):c.1490T>G (p.Phe497Cys)

Gene: FH (fumarate hydratase; minus strand). Cytogenetic location: 1q43.
Variant type: single nucleotide variant.
Coding change: c.1490T>G on transcript NM_000143.4 (MANE Select); coding-DNA position 1490, T replaced by G.
Protein change: p.Phe497Cys; replaces phenylalanine 497 with cysteine.
Molecular consequence: missense variant.
Genome position (GRCh38, 1-based): chr1:241,497,871, A>C on the plus strand (T>G on the coding strand, the complement: FH is on the minus strand). VCF-style: chr1-241497871-A-C. GRCh37 (hg19) VCF-style: chr1-241661171-A-C.
Other names: short protein forms F497C.
Identifiers: ClinVar variation 3727820 (VCV003727820.2).

ClinVar aggregate classification (germline): Uncertain significance (1 of 4 stars; one submission).

Submission:

Labcorp Genetics (formerly Invitae), Labcorp
Classification: Uncertain significance. Last evaluated: 2024-11-20. Review status: criteria provided, single submitter. Criteria: Invitae Variant Classification Sherloc (09022015). Collection method: clinical testing. Allele origin: germline.
Comment: This sequence change replaces phenylalanine, which is neutral and non-polar, with cysteine, which is neutral and slightly polar, at codon 497 of the FH protein (p.Phe497Cys). This variant is not present in population databases (gnomAD no frequency). This variant has not been reported in the literature in individuals affected with FH-related conditions. Invitae Evidence Modeling of protein sequence and biophysical properties (such as structural, functional, and spatial information, amino acid conservation, physicochemical variation, residue mobility, and thermodynamic stability) indicates that this missense variant is expected to disrupt FH protein function with a positive predictive value of 95%. In summary, the available evidence is currently insufficient to determine the role of this variant in disease. Therefore, it has been classified as a Variant of Uncertain Significance.